The following is an entry in ClinVar:

NM_020461.4(TUBGCP6):c.1873T>G (p.Ser625Ala)

Gene: TUBGCP6 (tubulin gamma complex component 6; minus strand). Cytogenetic location: 22q13.33.
Variant type: single nucleotide variant.
Coding change: c.1873T>G on transcript NM_020461.4 (MANE Select); coding-DNA position 1873, T replaced by G.
Protein change: p.Ser625Ala; replaces serine 625 with alanine.
Molecular consequence: missense variant.
Genome position (GRCh38, 1-based): chr22:50,225,904, A>C on the plus strand (T>G on the coding strand, the complement: TUBGCP6 is on the minus strand). VCF-style: chr22-50225904-A-C. GRCh37 (hg19) VCF-style: chr22-50664333-A-C.
Other names: short protein forms S625A.
Identifiers: ClinVar variation 1003626 (VCV001003626.8), dbSNP rs778942140, ClinGen allele CA10308468.

ClinVar aggregate classification (germline): Uncertain significance (1 of 4 stars; one submission).

Allele frequency attached by ClinVar (database versions not stated): gnomAD exomes below 0.00001; ExAC 0.00001; TOPMed 0.00001.
gnomAD v4.1: 2 of 1,613,916 alleles (0.00012%); highest among the groups gnomAD compares: Non-Finnish European, 0.00017%; no homozygotes.

Submission:

Labcorp Genetics (formerly Invitae), Labcorp
Classification: Uncertain significance. Last evaluated: 2022-08-15. Review status: criteria provided, single submitter. Criteria: Invitae Variant Classification Sherloc (09022015). Collection method: clinical testing. Allele origin: germline.
Comment: This sequence change replaces serine, which is neutral and polar, with alanine, which is neutral and non-polar, at codon 625 of the TUBGCP6 protein (p.Ser625Ala). This variant is present in population databases (rs778942140, gnomAD 0.0009%). In summary, the available evidence is currently insufficient to determine the role of this variant in disease. Therefore, it has been classified as a Variant of Uncertain Significance. Algorithms developed to predict the effect of missense changes on protein structure and function are either unavailable or do not agree on the potential impact of this missense change (SIFT: "Tolerated"; PolyPhen-2: "Possibly Damaging"; Align-GVGD: "Class C0"). ClinVar contains an entry for this variant (Variation ID: 1003626). This variant has not been reported in the literature in individuals affected with TUBGCP6-related conditions.